The following is an entry in ClinVar:

NM_000051.4(ATM):c.6219C>T (p.Leu2073=)

Genes: ATM (ATM serine/threonine kinase; plus strand), C11orf65 (chromosome 11 open reading frame 65; minus strand). Cytogenetic location: 11q22.3.
Variant type: single nucleotide variant.
Coding change: c.6219C>T on transcript NM_000051.4 (MANE Select); coding-DNA position 6219, C replaced by T.
Protein change: p.Leu2073=; no amino-acid change (leucine 2073 retained).
Molecular consequence: synonymous variant. On other transcripts: intron variant (2).
Genome position (GRCh38, 1-based): chr11:108,317,393, C>T. VCF-style: chr11-108317393-C-T. GRCh37 (hg19) VCF-style: chr11-108188120-C-T.
Other names: c.6219C>T, p.Leu2073= (NM_001351834.2); c.641-8322G>A (NM_001330368.2); c.*39-8322G>A (NM_001351110.2).
Identifiers: ClinVar variation 392285 (VCV000392285.15), dbSNP rs752478345, ClinGen allele CA16605818.
Genomic context (GRCh38, chr11:108,317,393, plus strand): 5'-TTTGATTACTTAACTTAAAAACAAAATAACTCCTGTTTAGGCCTTGCAGAATTTGGGACT[C>T]TGCCATATTCTTTCCGTCTATTTAAAAGGATTGGATTATGAAAATAAAGACTGGTGTCCT-3'
Protein context (NP_000042.3, residues 2063-2083): GIIQALQNLG[Leu2073=]CHILSVYLKG

ClinVar aggregate classification (germline): Conflicting classifications of pathogenicity. Review status: criteria provided, conflicting classifications (1 of 4 stars). 5 submissions from 5 submitters: Uncertain significance (1); Benign (1); Likely benign (3). Last evaluated 2025-07-27.

Conditions:
Hereditary cancer-predisposing syndrome. Also called: Neoplastic Syndromes, Hereditary; Hereditary Cancer Syndrome; Tumor predisposition; Hereditary neoplastic syndrome. Identifiers: Orphanet 140162, MedGen C0027672, MeSH D009386, MONDO:0015356.
Ataxia-telangiectasia syndrome (AT). Also called: LOUIS-BAR SYNDROME; Cerebello-oculocutaneous telangiectasia; Immunodeficiency with ataxia telangiectasia; Ataxia-telangiectasia, complementation group D; AT, COMPLEMENTATION GROUP C; Ataxia-telangiectasia, complementation group E. Identifiers: Orphanet 100, MedGen C0004135, MONDO:0008840, OMIM 208900.
Familial cancer of breast. Also called: Hereditary breast cancer; BREAST CANCER, FAMILIAL; hereditary breast carcinoma. Identifiers: Orphanet 227535, MedGen C0346153, MONDO:0016419, OMIM 114480. Disease mechanism: loss of function.

Allele frequency attached by ClinVar (database versions not stated): gnomAD 0.00003.

Submissions (5):

Labcorp Genetics (formerly Invitae), Labcorp
Classification: Likely benign for Ataxia-telangiectasia syndrome. Last evaluated: 2025-07-27. Review status: criteria provided, single submitter. Criteria: Invitae Variant Classification Sherloc (09022015). Collection method: clinical testing. Allele origin: germline.

Color Diagnostics, LLC DBA Color Health
Classification: Uncertain significance for Hereditary cancer-predisposing syndrome. Last evaluated: 2024-06-14. Review status: criteria provided, single submitter. Criteria: ACMG Guidelines, 2015. Collection method: clinical testing. Allele origin: germline.
Comment: This synonymous variant causes a nucleotide substitution but does not change the encoded amino acid at codon 2073 of the ATM protein. Splice site prediction tools are inconclusive regarding the impact of this variant on RNA splicing. To our knowledge, RNA studies have not been reported for this variant. This variant has been reported in an individual affected with breast cancer (PMID: 28779002). This variant has been identified in 1/31146 chromosomes in the general population by the Genome Aggregation Database (gnomAD). The available evidence is insufficient to determine the role of this variant in disease conclusively. Therefore, this variant is classified as a Variant of Uncertain Significance.

Myriad Genetics, Inc.
Classification: Benign for Familial cancer of breast. Last evaluated: 2024-06-05. Review status: criteria provided, single submitter. Criteria: Myriad Autosomal Dominant, Autosomal Recessive and X-Linked Classification Criteria (2023). Collection method: clinical testing. Allele origin: unknown.
Comment: This variant is considered benign. This variant is a silent/synonymous amino acid change and it is not expected to impact splicing.

Ambry Genetics
Classification: Likely benign for Hereditary cancer-predisposing syndrome. Last evaluated: 2019-04-11. Review status: criteria provided, single submitter. Criteria: Ambry Variant Classification Scheme 2023. Collection method: clinical testing. Allele origin: germline.

GeneDx
Classification: Likely benign. Last evaluated: 2017-10-19. Review status: criteria provided, single submitter. Criteria: GeneDx Variant Classification (06012015). Collection method: clinical testing. Allele origin: germline. Affected: yes.
Comment: This variant is considered likely benign or benign based on one or more of the following criteria: it is a conservative change, it occurs at a poorly conserved position in the protein, it is predicted to be benign by multiple in silico algorithms, and/or has population frequency not consistent with disease.

Literature cited by the submitters: PubMed 28779002 (cited by Color Diagnostics, LLC DBA Color Health).